The following is an entry in ClinVar:

NM_020297.4(ABCC9):c.2813G>A (p.Arg938Gln)

Gene: ABCC9 (ATP binding cassette subfamily C member 9; minus strand). Cytogenetic location: 12p12.1.
Variant type: single nucleotide variant.
Coding change: c.2813G>A on transcript NM_020297.4 (MANE Select); coding-DNA position 2813, G replaced by A.
Protein change: p.Arg938Gln; replaces arginine 938 with glutamine.
Molecular consequence: missense variant.
Genome position (GRCh38, 1-based): chr12:21,848,203, C>T on the plus strand (G>A on the coding strand, the complement: ABCC9 is on the minus strand). VCF-style: chr12-21848203-C-T. GRCh37 (hg19) VCF-style: chr12-22001137-C-T.
Other names: c.2813G>A, p.Arg938Gln (NM_001377273.1, NM_005691.4); c.1946G>A, p.Arg649Gln (NM_001377274.1); short protein forms R938Q, R649Q.
Identifiers: ClinVar variation 191586 (VCV000191586.6), dbSNP rs201838439, ClinGen allele CA236988.
Genomic context (GRCh38, chr12:21,848,203, plus strand): 5'-GATCTACCTTCGTCTTCGTCCTCCATCTGGGCTTTGGCTTCTCTTGAATACATGGCCCGT[C>T]GGAGAGTTTTCCTCTCTAAAGTAGTTTGGTCAGCTTCCATATCCTGCAGTAAACATTGTA-3'
Protein context (NP_064693.2, residues 928-948): DQTTLERKTL[Arg938Gln]RAMYSREAKA

ClinVar aggregate classification (germline): Uncertain significance. Review status: criteria provided, multiple submitters, no conflicts (2 of 4 stars). 3 submissions from 3 submitters: Uncertain significance (3). Last evaluated 2025-07-14.

Conditions:
Dilated cardiomyopathy 1O (CMD1O). Also called: CARDIOMYOPATHY, DILATED, WITH VENTRICULAR TACHYCARDIA. Identifiers: Orphanet 154, MedGen C1837839, MONDO:0012062, OMIM 608569.

Allele frequency attached by ClinVar (database versions not stated): ExAC 0.00001; gnomAD exomes 0.00001 and 0.00002; TOPMed 0.00001.
gnomAD v4.1: 26 of 1,613,588 alleles (0.0016%); highest among the groups gnomAD compares: Non-Finnish European, 0.0019%; no homozygotes.

Submissions (3):

Labcorp Genetics (formerly Invitae), Labcorp
Classification: Uncertain significance for Dilated cardiomyopathy 1O. Last evaluated: 2025-07-14. Review status: criteria provided, single submitter. Criteria: Invitae Variant Classification Sherloc (09022015). Collection method: clinical testing. Allele origin: germline.
Comment: This sequence change replaces arginine, which is basic and polar, with glutamine, which is neutral and polar, at codon 938 of the ABCC9 protein (p.Arg938Gln). This variant is present in population databases (rs201838439, gnomAD 0.002%). This variant has not been reported in the literature in individuals affected with ABCC9-related conditions. ClinVar contains an entry for this variant (Variation ID: 191586). Invitae Evidence Modeling of protein sequence and biophysical properties (such as structural, functional, and spatial information, amino acid conservation, physicochemical variation, residue mobility, and thermodynamic stability) indicates that this missense variant is expected to disrupt ABCC9 protein function with a positive predictive value of 80%. In summary, the available evidence is currently insufficient to determine the role of this variant in disease. Therefore, it has been classified as a Variant of Uncertain Significance.

GeneDx
Classification: Uncertain significance. Last evaluated: 2017-05-25. Review status: criteria provided, single submitter. Criteria: GeneDx Variant Classification (06012015). Collection method: clinical testing. Allele origin: germline. Affected: yes.
Comment: A variant of uncertain significance has been identified in the ABCC9 gene. The R938Q variant has not been published as pathogenic or been reported as benign to our knowledge, but has been reported as a variant of uncertain significance in one individual from a cohort of individuals who underwent whole exome sequencing who were not selected for arrhythmia, cardiomyopathy, or family history of sudden cardiac death (Ng et al., 2013). The R938Q variant is not observed at a significant frequency in large population cohorts (Lek et al., 2016; 1000 Genomes Consortium et al., 2015; Exome Variant Server). The R938Q variant is a semi-conservative amino acid substitution, which may impact secondary protein structure as these residues differ in some properties. This substitution occurs at a position that is conserved across species. Furthermore, in silico analysis predicts this variant is probably damaging to the protein structure/function. Nevertheless, no missense variants in nearby residues have been reported in the Human Gene Mutation Database in association with ABCC9-related disorders (Stenson et al., 2014).

Biesecker Lab/Clinical Genomics Section, National Institutes of Health
Classification: Uncertain significance. Last evaluated: 2013-06-24. Review status: criteria provided, single submitter. Criteria: Ng et al. (Circ Cardiovasc Genet. 2013). Collection method: research. Allele origin: unknown. Observed: 1 variant allele. Study: ClinSeq.
Comment: The study set was not selected for affection status in relation to any cancer. Pathogenicity categories were based on literature curation. See Pubmed ID:23861362 for details.

Medical sequencing